The following is an entry in ClinVar:

NM_000512.5(GALNS):c.244+1G>A

Gene: GALNS (galactosamine (N-acetyl)-6-sulfatase; minus strand). Cytogenetic location: 16q24.3.
Variant type: single nucleotide variant.
Coding change: c.244+1G>A on transcript NM_000512.5 (MANE Select); the canonical splice donor site of the intron after coding-DNA position 244, G replaced by A.
Molecular consequence: splice donor variant. On other transcripts: intron variant (1).
Genome position (GRCh38, 1-based): chr16:88,842,705, C>T on the plus strand (G>A on the coding strand, the complement: GALNS is on the minus strand). VCF-style: chr16-88842705-C-T. GRCh37 (hg19) VCF-style: chr16-88909113-C-T.
Other names: c.-311-734G>A (NM_001323543.2); c.262+1G>A (NM_001323544.2).
Identifiers: ClinVar variation 3698626 (VCV003698626.3).
Genomic context (GRCh38, chr16:88,842,705, plus strand): 5'-CCGGGAGGCCTCGGCCTGTTGGGCTCACCCCTTCCTGGGGGCGAGGGCCCCGCTGACTTA[C>T]ATGGCGAGCACAGAGGGTTGGCAGAATAGAAGTTTGGGAAAAGCAGCCCTTCTGCAGCCA-3'

ClinVar aggregate classification (germline): Likely pathogenic. Review status: criteria provided, multiple submitters, no conflicts (2 of 4 stars). 2 submissions from 2 submitters: Likely pathogenic (2). Last evaluated 2024-10-14.

Conditions:
GALNS-related disorders.
Mucopolysaccharidosis, MPS-IV-A (MPS4A). Also called: MORQUIO SYNDROME A; mucopolysaccharidosis type 4A; Morquio syndrome A, mild; Mucopolysaccharidosis type IV A; MPS IVA; Mucopolysaccharidosis Type IVA. Identifiers: Orphanet 309297, Orphanet 582, MedGen C0086651, MONDO:0009659, OMIM 253000.

Submissions (2):

Blueprint Genetics
Classification: Likely pathogenic for GALNS-related disorders. Last evaluated: 2024-10-14. Review status: criteria provided, single submitter. Criteria: ACMG Guidelines, 2015. Collection method: clinical testing. Allele origin: germline. Affected: yes. Observed: 1 variant allele.

Labcorp Genetics (formerly Invitae), Labcorp
Classification: Likely pathogenic for Mucopolysaccharidosis, MPS-IV-A. Last evaluated: 2024-09-30. Review status: criteria provided, single submitter. Criteria: Invitae Variant Classification Sherloc (09022015). Collection method: clinical testing. Allele origin: germline.
Comment: This sequence change affects a donor splice site in intron 2 of the GALNS gene. It is expected to disrupt RNA splicing. Variants that disrupt the donor or acceptor splice site typically lead to a loss of protein function (PMID: 16199547), and loss-of-function variants in GALNS are known to be pathogenic (PMID: 12442278). This variant is not present in population databases (gnomAD no frequency). Disruption of this splice site has been observed in individual(s) with Morquio A syndrome and/or mucopolysaccharidosis type IVA (PMID: 32993725, 35614200). Algorithms developed to predict the effect of sequence changes on RNA splicing suggest that this variant may disrupt the consensus splice site. In summary, the currently available evidence indicates that the variant is pathogenic, but additional data are needed to prove that conclusively. Therefore, this variant has been classified as Likely Pathogenic.

Literature cited by the submitters: PubMed 16199547 (cited by Labcorp Genetics (formerly Invitae), Labcorp); PubMed 12442278 (cited by Labcorp Genetics (formerly Invitae), Labcorp); PubMed 32993725 (cited by Labcorp Genetics (formerly Invitae), Labcorp); PubMed 35614200 (cited by Labcorp Genetics (formerly Invitae), Labcorp).